The following is an entry in ClinVar:

NM_003072.5(SMARCA4):c.4254C>T (p.Asp1418=)

Gene: SMARCA4 (SWI/SNF related BAF chromatin remodeling complex subunit ATPase 4; plus strand). Cytogenetic location: 19p13.2.
Variant type: single nucleotide variant.
Coding change: c.4254C>T on transcript NM_003072.5 (MANE Select); coding-DNA position 4254, C replaced by T.
Protein change: p.Asp1418=; no amino-acid change (aspartic acid 1418 retained).
Molecular consequence: synonymous variant. On other transcripts: non-coding transcript variant (1).
Genome position (GRCh38, 1-based): chr19:11,041,390, C>T. VCF-style: chr19-11041390-C-T. GRCh37 (hg19) VCF-style: chr19-11152066-C-T.
Other names: c.4254C>T, p.Asp1418= (NM_001128844.3); c.4164C>T, p.Asp1388= (NM_001128845.2, NM_001128846.2); c.4155C>T, p.Asp1385= (NM_001128847.4, NM_001128848.2, NM_001374457.1); c.4350C>T, p.Asp1450= (NM_001128849.3, NM_001387283.1).
Identifiers: ClinVar variation 470396 (VCV000470396.27), dbSNP rs370380553, ClinGen allele CA9204684.

ClinVar aggregate classification (germline): Benign/Likely benign. Review status: criteria provided, multiple submitters, no conflicts (2 of 4 stars). 7 submissions from 7 submitters: Benign (2); Likely benign (5). Last evaluated 2026-07-16.

Conditions:
Rhabdoid tumor predisposition syndrome 2 (RTPS2). Identifiers: Orphanet 231108, Orphanet 69077, MedGen C2750074, MONDO:0013224, OMIM 613325.
SMARCA4-related disorder. Also called: SMARCA4-related condition.
Hereditary cancer-predisposing syndrome. Also called: Tumor predisposition; Neoplastic Syndromes, Hereditary; Hereditary Cancer Syndrome; Hereditary neoplastic syndrome. Identifiers: Orphanet 140162, MedGen C0027672, MeSH D009386, MONDO:0015356.

Allele frequency attached by ClinVar (database versions not stated): gnomAD exomes 0.00001 and 0.00002; ESP Exome Variant Server 0.00008; ExAC 0.00003; gnomAD 0.00006; TOPMed 0.00009.
gnomAD v4.1: 24 of 1,612,614 alleles (0.0015%); highest among the groups gnomAD compares: African/African-American, 0.021%; no homozygotes.

Submissions (7):

Myriad Genetics, Inc.
Classification: Benign for Rhabdoid tumor predisposition syndrome 2. Last evaluated: 2026-07-16. Review status: criteria provided, single submitter. Criteria: Myriad Autosomal Dominant, Autosomal Recessive and X-Linked Classification Criteria (2023). Collection method: clinical testing. Allele origin: unknown.
Comment: This variant is considered benign. This variant is a silent/synonymous amino acid change and it is not expected to impact splicing.

PreventionGenetics, part of Exact Sciences
Classification: Likely benign for SMARCA4-related condition. Last evaluated: 2026-06-25. Review status: criteria provided, single submitter. Criteria: ACMG Guidelines, 2015. Collection method: clinical testing. Allele origin: germline.
Comment: This variant is classified as likely benign based on ACMG/AMP sequence variant interpretation guidelines (Richards et al. 2015 PMID: 25741868, with internal and published modifications).

Labcorp Genetics (formerly Invitae), Labcorp
Classification: Likely benign for Rhabdoid tumor predisposition syndrome 2. Last evaluated: 2025-12-08. Review status: criteria provided, single submitter. Criteria: Invitae Variant Classification Sherloc (09022015). Collection method: clinical testing. Allele origin: germline.

CeGaT Center for Human Genetics Tuebingen
Classification: Likely benign. Last evaluated: 2025-08-01. Review status: criteria provided, single submitter. Criteria: CeGaT Center For Human Genetics Tuebingen Variant Classification Criteria Version 2. Collection method: clinical testing. Allele origin: germline. Affected: yes. Observed: 1 variant allele.
Comment: SMARCA4: BP4, BP7

Quest Diagnostics Nichols Institute San Juan Capistrano
Classification: Benign. Last evaluated: 2025-05-15. Review status: criteria provided, single submitter. Criteria: Quest Diagnostics criteria. Collection method: clinical testing. Allele origin: unknown.

Sema4
Classification: Likely benign for Hereditary cancer-predisposing syndrome. Last evaluated: 2022-01-27. Review status: criteria provided, single submitter. Criteria: Sema4 Curation Guidelines. Collection method: curation. Allele origin: germline.

Ambry Genetics
Classification: Likely benign for Hereditary cancer-predisposing syndrome. Last evaluated: 2015-09-21. Review status: criteria provided, single submitter. Criteria: Ambry Variant Classification Scheme 2023. Collection method: clinical testing. Allele origin: germline.